The following is an entry in ClinVar:

ClinVar aggregate classification (germline): Conflicting classifications of pathogenicity. Review status: criteria provided, conflicting classifications (1 of 4 stars). 4 submissions from 3 submitters: Uncertain significance (2); Likely benign (1). 1 of the submissions does not count toward it. Last evaluated 2024-02-23.

Conditions:
Cholestasis, intrahepatic, of pregnancy, 3. Identifiers: Orphanet 69665, MedGen C3554241, MONDO:0013995, OMIM 614972.
Progressive familial intrahepatic cholestasis type 3. Also called: Low Gamma-GT Familial Intrahepatic Cholestasis; MDR3 DEFICIENCY. Identifiers: Orphanet 79305, MedGen C1865643, MONDO:0011214, OMIM 602347.
ABCB4-related disorder. Also called: ABCB4-related disorders; ABCB4-related condition.

Allele frequency attached by ClinVar (database versions not stated): TOPMed 0.00002.
gnomAD v4.1: 4 of 1,613,626 alleles (0.00025%); highest among the groups gnomAD compares: Non-Finnish European, 0.00034%; no homozygotes.

Submissions (4):

Labcorp Genetics (formerly Invitae), Labcorp
Classification: Likely benign. Last evaluated: 2024-02-23. Review status: criteria provided, single submitter. Criteria: Invitae Variant Classification Sherloc (09022015). Collection method: clinical testing. Allele origin: germline.

Illumina Laboratory Services, Illumina
Classification: Uncertain significance for Cholestasis, intrahepatic, of pregnancy, 3. Last evaluated: 2018-01-12. Review status: criteria provided, single submitter. Criteria: ICSL Variant Classification Criteria 13 December 2019. Collection method: clinical testing. Allele origin: germline.

Illumina Laboratory Services, Illumina
Classification: Uncertain significance for Progressive familial intrahepatic cholestasis type 3. Last evaluated: 2018-01-12. Review status: criteria provided, single submitter. Criteria: ICSL Variant Classification Criteria 13 December 2019. Collection method: clinical testing. Allele origin: germline.

PreventionGenetics, part of Exact Sciences
Classification: Likely benign for ABCB4-related condition. Last evaluated: 2022-04-13. Review status: no assertion criteria provided. Collection method: clinical testing. Allele origin: germline. Not counted in ClinVar's aggregate classification.
Comment: This variant is classified as likely benign based on ACMG/AMP sequence variant interpretation guidelines (Richards et al. 2015 PMID: 25741868, with internal and published modifications).

NM_000443.4(ABCB4):c.2478+7A>T

Gene: ABCB4 (ATP binding cassette subfamily B member 4; minus strand). Cytogenetic location: 7q21.12.
Variant type: single nucleotide variant.
Coding change: c.2478+7A>T on transcript NM_000443.4 (MANE Select); 7 bases into the intron after coding-DNA position 2478, A replaced by T.
Molecular consequence: intron variant.
Genome position (GRCh38, 1-based): chr7:87,418,530, T>A on the plus strand (A>T on the coding strand, the complement: ABCB4 is on the minus strand). VCF-style: chr7-87418530-T-A. GRCh37 (hg19) VCF-style: chr7-87047846-T-A.
Other names: c.2478+7A>T (NM_018850.3, NM_018849.3).
Identifiers: ClinVar variation 909118 (VCV000909118.9), dbSNP rs778002144, ClinGen allele CA843387699.
Genomic context (GRCh38, chr7:87,418,530, plus strand): 5'-GGTATGCTACATGCTTATCTAAAACCATGTTATGTAAAAAACTACAAGTAGAGTGCAGTC[T>A]ACCTACTCCTTGGACTTGGGCAGCATCTGTGGCAAGTCTTGTAGAAAGTGCACCAGTACT-3'